The following is an entry in ClinVar:

NM_005654.6(NR2F1):c.92GCG[8] (p.Gly36_Ala37insGlyGly)

Genes: NR2F1 (nuclear receptor subfamily 2 group F member 1; plus strand), NR2F1-AS1 (NR2F1 regulatory antisense RNA 1; minus strand). Cytogenetic location: 5q15.
Variant type: Microsatellite.
Coding change: c.92GCG[8] on transcript NM_005654.6 (MANE Select); eight copies in a row of the 3-base unit GCG starting at c.92; the reference has six copies in a row; two copies, 6 bases duplicated.
Protein change: p.Gly36_Ala37insGlyGly.
Molecular consequence: inframe insertion.
Genome position (GRCh38, 1-based): chr5:93,585,127-93,585,132, GCGGCG duplicated; duplicating any 6 consecutive bases within chr5:93,585,115-93,585,132 gives the same sequence; the position shown is the placement nearest the transcript's 3' end. VCF-style (leftmost placement, unchanged base first): chr5-93585114-C-CGCGGCG. GRCh37 (hg19) VCF-style: chr5-92920820-C-CGCGGCG.
Identifiers: ClinVar variation 2143966 (VCV002143966.4), dbSNP rs954495672, ClinGen allele CA815668891.

ClinVar aggregate classification (germline): Uncertain significance (1 of 4 stars; one submission).

Submission:

Labcorp Genetics (formerly Invitae), Labcorp
Classification: Uncertain significance. Last evaluated: 2025-04-16. Review status: criteria provided, single submitter. Criteria: Invitae Variant Classification Sherloc (09022015). Collection method: clinical testing. Allele origin: germline.
Comment: This variant, c.104_109dup, results in the insertion of 2 amino acid(s) of the NR2F1 protein (p.Gly35_Gly36dup), but otherwise preserves the integrity of the reading frame. The frequency data for this variant in the population databases is considered unreliable, as metrics indicate insufficient coverage at this position in the gnomAD database. This variant has not been reported in the literature in individuals affected with NR2F1-related conditions. Experimental studies and prediction algorithms are not available or were not evaluated, and the functional significance of this variant is currently unknown. In summary, the available evidence is currently insufficient to determine the role of this variant in disease. Therefore, it has been classified as a Variant of Uncertain Significance.